The following is an entry in ClinVar:

ClinVar aggregate classification (germline): Uncertain significance. Review status: criteria provided, multiple submitters, no conflicts (2 of 4 stars). 3 submissions from 3 submitters: Uncertain significance (3). Last evaluated 2026-01-06.

Conditions:
Fanconi anemia complementation group J. Also called: BRIP1-Related Fanconi Anemia. Identifiers: Orphanet 84, MedGen C1836860, MONDO:0012187, OMIM 609054.
Familial cancer of breast. Also called: BREAST CANCER, FAMILIAL; hereditary breast carcinoma; Hereditary breast cancer. Identifiers: Orphanet 227535, MedGen C0346153, MONDO:0016419, OMIM 114480. Disease mechanism: loss of function.
BRIP1-related disorder. Also called: BRIP1-related condition; BRIP1-related disorders. Identifiers: MedGen CN239206.
Hereditary cancer-predisposing syndrome. Also called: Neoplastic Syndromes, Hereditary; Hereditary Cancer Syndrome; Tumor predisposition; Hereditary neoplastic syndrome. Identifiers: Orphanet 140162, MedGen C0027672, MeSH D009386, MONDO:0015356.

Allele frequency attached by ClinVar (database versions not stated): TOPMed below 0.00001.

Submissions (3):

Labcorp Genetics (formerly Invitae), Labcorp
Classification: Uncertain significance for Familial cancer of breast; Fanconi anemia complementation group J. Last evaluated: 2026-01-06. Review status: criteria provided, single submitter. Criteria: Invitae Variant Classification Sherloc (09022015). Collection method: clinical testing. Allele origin: germline.
Comment: This sequence change replaces valine, which is neutral and non-polar, with leucine, which is neutral and non-polar, at codon 741 of the BRIP1 protein (p.Val741Leu). This variant is not present in population databases (gnomAD no frequency). This variant has not been reported in the literature in individuals affected with BRIP1-related conditions. ClinVar contains an entry for this variant (Variation ID: 853622). Invitae Evidence Modeling of protein sequence and biophysical properties (such as structural, functional, and spatial information, amino acid conservation, physicochemical variation, residue mobility, and thermodynamic stability) indicates that this missense variant is not expected to disrupt BRIP1 protein function with a negative predictive value of 95%. In summary, the available evidence is currently insufficient to determine the role of this variant in disease. Therefore, it has been classified as a Variant of Uncertain Significance.

PreventionGenetics, part of Exact Sciences
Classification: Uncertain significance for BRIP1-related condition. Last evaluated: 2024-12-11. Review status: criteria provided, single submitter. Criteria: ACMG Guidelines, 2015. Collection method: clinical testing. Allele origin: germline.
Comment: The BRIP1 c.2221G>C variant is predicted to result in the amino acid substitution p.Val741Leu. To our knowledge, this variant has not been reported in the literature or in a large population database (gnomAD), indicating this variant is rare. This variant is classified as a variant of uncertain significance in ClinVar. At this time, the clinical significance of this variant is uncertain due to the absence of conclusive functional and genetic evidence.

Ambry Genetics
Classification: Uncertain significance for Hereditary cancer-predisposing syndrome. Last evaluated: 2020-05-13. Review status: criteria provided, single submitter. Criteria: Ambry Variant Classification Scheme 2023. Collection method: clinical testing. Allele origin: germline.
Comment: The p.V741L variant (also known as c.2221G>C), located in coding exon 14 of the BRIP1 gene, results from a G to C substitution at nucleotide position 2221. The valine at codon 741 is replaced by leucine, an amino acid with highly similar properties. This amino acid position is not well conserved in available vertebrate species, and leucine is the reference amino acid in other vertebrate species. In addition, this alteration is predicted to be tolerated by in silico analysis. Since supporting evidence is limited at this time, the clinical significance of this alteration remains unclear.

NM_032043.3(BRIP1):c.2221G>C (p.Val741Leu)

Gene: BRIP1 (BRCA1 interacting DNA helicase 1; minus strand). Cytogenetic location: 17q23.2.
Variant type: single nucleotide variant.
Coding change: c.2221G>C on transcript NM_032043.3 (MANE Select); coding-DNA position 2221, G replaced by C.
Protein change: p.Val741Leu; replaces valine 741 with leucine.
Molecular consequence: missense variant.
Genome position (GRCh38, 1-based): chr17:61,744,468, C>G on the plus strand (G>C on the coding strand, the complement: BRIP1 is on the minus strand). VCF-style: chr17-61744468-C-G. GRCh37 (hg19) VCF-style: chr17-59821829-C-G.
Other names: short protein forms V741L.
Identifiers: ClinVar variation 853622 (VCV000853622.14), dbSNP rs1308293137, ClinGen allele CA400482938.
Genomic context (GRCh38, chr17:61,744,468, plus strand): 5'-GACCATGAAATAATTTCCAGTTACCTTTCTCTCCTTTGTATTTGATTGCGTCATAGTACA[C>G]CTGCAGTAATTCATCAAAATTTGTTTTTTCTCCTCCCTGTGGTTCTACAATGACTGTCTT-3'
Protein context (NP_114432.2, residues 731-751): EKTNFDELLQ[Val741Leu]YYDAIKYKGE